The following is an entry in ClinVar:

NM_198334.3(GANAB):c.1786C>T (p.Arg596Cys)

Gene: GANAB (glucosidase II alpha subunit; minus strand). Cytogenetic location: 11q12.3.
Variant type: single nucleotide variant.
Coding change: c.1786C>T on transcript NM_198334.3 (MANE Select); coding-DNA position 1786, C replaced by T.
Protein change: p.Arg596Cys; replaces arginine 596 with cysteine.
Molecular consequence: missense variant.
Genome position (GRCh38, 1-based): chr11:62,629,636, G>A on the plus strand (C>T on the coding strand, the complement: GANAB is on the minus strand). VCF-style: chr11-62629636-G-A. GRCh37 (hg19) VCF-style: chr11-62397108-G-A.
Other names: c.1852C>T, p.Arg618Cys (NM_198335.4); c.1510C>T, p.Arg504Cys (NM_001278192.2); c.1444C>T, p.Arg482Cys (NM_001278193.2); c.1495C>T, p.Arg499Cys (NM_001278194.2, NM_001329222.2, NM_001329223.2); c.1063C>T, p.Arg355Cys (NM_001329224.2, NM_001329225.2); short protein forms R618C, R596C, R355C, R482C, R499C, R504C.
Identifiers: ClinVar variation 590353 (VCV000590353.4), dbSNP rs1565093675, ClinGen allele CA380991877.
Genomic context (GRCh38, chr11:62,629,636, plus strand): 5'-TCTAAACCTTACCAAAGCGCTGGGAGCCAGCGAAGAAGGCCCTGGCCAGGACAAAGGGGC[G>A]TTCCATGCCCCCAGAGCGCTGTCTCAGCCCATCAGCAGTCGCCATGTGCTGGGTGAGGAG-3'
Protein context (NP_938148.1, residues 586-606): GLRQRSGGME[Arg596Cys]PFVLARAFFA

ClinVar aggregate classification (germline): Likely pathogenic. Review status: criteria provided, single submitter (1 of 4 stars). 2 submissions from 2 submitters: Likely pathogenic (1). 1 of the submissions does not count toward it. Last evaluated 2024-12-10.

Conditions:
Polycystic kidney disease 3 with or without polycystic liver disease. Also called: Polycystic Kidney and/or Polycystic Liver Disease 3; Polycystic kidney disease 3; POLYCYSTIC KIDNEY DISEASE, ADULT, TYPE III. Identifiers: MedGen C3887964, MONDO:0010916, OMIM 600666.
Autosomal dominant polycystic liver disease. Also called: Polycystic liver disease; Congenital cystic disease of liver. Identifiers: Orphanet 2924, MedGen C0158683, MONDO:0000447, HP:0006557.

Submissions (2):

Department of Clinical Genetics, Copenhagen University Hospital, Rigshospitalet
Classification: Likely pathogenic for Polycystic kidney disease 3 with or without polycystic liver disease. Last evaluated: 2024-12-10. Review status: criteria provided, single submitter. Criteria: ACMG Guidelines, 2015. Collection method: clinical testing. Allele origin: germline.
Comment: PM6_M, PP3_Mod, PM2_Sup, PP2_Sup, PS4_Sup

Laboratory of Gastroenterology and Hepatology, Radboud University Medical Center
Classification: Likely pathogenic for Autosomal dominant polycystic liver disease. Last evaluated: 2018-01-01. Review status: no assertion criteria provided. Collection method: research. Allele origin: germline. Affected: yes. Not counted in ClinVar's aggregate classification.

Literature cited by the submitters: PubMed 33569422 (cited by Department of Clinical Genetics, Copenhagen University Hospital, Rigshospitalet).